The following is an entry in ClinVar:

GRCh38/hg38 12q24.33(chr12:129322435-129995641)x3

Genes: TMEM132D (transmembrane protein 132D; minus strand), LOC126861687 (CDK7 strongly-dependent group 2 enhancer GRCh37_chr12:130091629-130092828; plus strand), LOC126861688 (MED14-independent group 3 enhancer GRCh37_chr12:130337885-130339084; plus strand), LOC132090041 (Neanderthal introgressed variant-containing enhancer experimental_25513; plus strand), LOC132090042 (Neanderthal introgressed variant-containing enhancer experimental_25552; plus strand) and 2 more. Cytogenetic location: 12q24.33.
Variant type: copy number gain.
Change: copy number 3 (three copies instead of two) of chr12:129,322,435-129,995,641 (673.2 kb, GRCh38 coordinates, 1-based), cytogenetic band 12q24.33.
Identifiers: ClinVar variation 4974741 (VCV004974741.1).

ClinVar aggregate classification (germline): Uncertain significance (1 of 4 stars; one submission).

Submission:

Clinical Genomics Laboratory, Laboratory for Precision Diagnostics, University of Washington
Classification: Uncertain significance. Last evaluated: 2024-06-13. Review status: criteria provided, single submitter. Criteria: ACMG/ClinGen CNV Guidelines, 2019. Collection method: clinical testing. Allele origin: unknown. Affected: yes. Observed: 1 variant allele.
Comment: This interstitial duplication is approximately 673 kb in size and encompasses the first four exons of TMEM132D (NM_133448.3 OMIM 611257). The proximal breakpoint of the duplication lies within intron 4 of TMEM132D and the distal breakpoint lies upstream of TMEM132D. It is unknown whether this duplication would disrupt TMEM132D or affect its expression. This gene is not known to cause medical problems in humans when one copy is disrupted. This is not a known triplosensitive genomic region. A review of public databases (ClinVar, DECIPHER) and the medical literature shows a few patients with similar duplications, but inheritance and clinical features are not known for most of them. DECIPHER patient 278910 had a paternal duplication similar to the one found in this fetus, but their clinical features were similar to their mother's. Similar duplications appear at low frequency in both the Database of Genomic Variants (nsv4228721) and gnomAD (DUP_CHR12_59729B83), two database of copy number variants found in healthy control groups.